The following is an entry in ClinVar:

NM_020320.5(RARS2):c.437G>A (p.Arg146His)

Gene: RARS2 (arginyl-tRNA synthetase 2, mitochondrial; minus strand). Cytogenetic location: 6q15.
Variant type: single nucleotide variant.
Coding change: c.437G>A on transcript NM_020320.5 (MANE Select); coding-DNA position 437, G replaced by A.
Protein change: p.Arg146His; replaces arginine 146 with histidine.
Molecular consequence: missense variant. On other transcripts: 5 prime UTR variant (5), non-coding transcript variant (15), intron variant (2).
Genome position (GRCh38, 1-based): chr6:87,548,605, C>T on the plus strand (G>A on the coding strand, the complement: RARS2 is on the minus strand). VCF-style: chr6-87548605-C-T. GRCh37 (hg19) VCF-style: chr6-88258323-C-T.
Other names: c.437G>A, p.Arg146His (NM_001350505.2); c.-89G>A (NM_001350506.2, NM_001350507.2, NM_001350508.2 and 2 more transcripts); c.-74-2906G>A (NM_001350509.2, NM_001318785.2); short protein forms R146H.
Identifiers: ClinVar variation 3364788 (VCV003364788.1).

ClinVar aggregate classification (germline): Uncertain significance (1 of 4 stars; one submission).

gnomAD v4.1: 14 of 1,612,808 alleles (0.00087%); highest among the groups gnomAD compares: African/African-American, 0.004%; no homozygotes.

Submission:

GeneDx
Classification: Uncertain significance. Last evaluated: 2024-04-15. Review status: criteria provided, single submitter. Criteria: GeneDx Variant Classification Process June 2021. Collection method: clinical testing. Allele origin: germline. Affected: yes.
Comment: Not observed at a significant frequency in large population cohorts (gnomAD); In silico analysis, which includes protein predictors and evolutionary conservation, supports a deleterious effect; Has not been previously published as pathogenic or benign to our knowledge